The following is an entry in ClinVar:

NM_024675.4(PALB2):c.2878del (p.Leu960fs)

Gene: PALB2 (partner and localizer of BRCA2; minus strand). Cytogenetic location: 16p12.2.
Variant type: Deletion.
Coding change: c.2878del on transcript NM_024675.4 (MANE Select); coding-DNA position 2878, one base deleted (C; older notation c.2878delC).
Protein change: p.Leu960fs; shifts the reading frame from leucine 960.
Molecular consequence: frameshift variant.
Genome position (GRCh38, 1-based): chr16:23,623,087, G deleted on the plus strand (C on the coding strand, the reverse complement: PALB2 is on the minus strand). VCF-style (leftmost placement, unchanged base first): chr16-23623086-AG-A. GRCh37 (hg19) VCF-style: chr16-23634407-AG-A.
Other names: c.2878delC (NM_024675.4, NM_024675.3).
Identifiers: ClinVar variation 422509 (VCV000422509.27), dbSNP rs1064795824, ClinGen allele CA16620122.

ClinVar aggregate classification (germline): Pathogenic/Likely pathogenic. Review status: criteria provided, multiple submitters, no conflicts (2 of 4 stars). 8 submissions from 8 submitters: Pathogenic (7); Likely pathogenic (1). Last evaluated 2026-05-13.

Conditions:
Fanconi anemia complementation group N. Also called: PALB2-Related Fanconi Anemia. Identifiers: Orphanet 84, MedGen C1835817, MONDO:0012565, OMIM 610832. Disease mechanism: loss of function.
Pancreatic cancer, susceptibility to, 3. Identifiers: Orphanet 1333, MedGen C3150547, MONDO:0013236, OMIM 613348.
Familial cancer of breast. Also called: hereditary breast carcinoma; BREAST CANCER, FAMILIAL; Hereditary breast cancer. Identifiers: Orphanet 227535, MedGen C0346153, MONDO:0016419, OMIM 114480. Disease mechanism: loss of function.
Hereditary cancer-predisposing syndrome. Also called: Hereditary Cancer Syndrome; Tumor predisposition; Neoplastic Syndromes, Hereditary; Hereditary neoplastic syndrome. Identifiers: Orphanet 140162, MedGen C0027672, MeSH D009386, MONDO:0015356.
Familial prostate cancer. Also called: Hereditary Prostate Cancer. Identifiers: MedGen C2931456, MONDO:0700275, OMIM 176807.

Allele frequency attached by ClinVar (database versions not stated): TOPMed below 0.00001.

Submissions (8):

Women's Health and Genetics/Laboratory Corporation of America, LabCorp
Classification: Pathogenic for Familial prostate cancer. Last evaluated: 2026-05-13. Review status: criteria provided, single submitter. Criteria: LabCorp Variant Classification Summary - May 2015. Collection method: clinical testing. Allele origin: germline.
Comment: Variant summary: PALB2 c.2878delC (p.Leu960TyrfsX2) results in a premature termination codon, predicted to cause a truncation of the encoded protein or absence of the protein due to nonsense mediated decay, which are commonly known mechanisms for disease. The variant was absent in 251422 control chromosomes. c.2878delC has been observed in individuals affected with Prostate Cancer and Breast Cancer (e.g. Palmer_2020, Trendowski_2022). These data indicate that the variant is likely associated with disease. To our knowledge, no experimental evidence demonstrating an impact on protein function has been reported. The following publications have been ascertained in the context of this evaluation (PMID: 32427313, 36446039). ClinVar contains an entry for this variant (Variation ID: 422509). Based on the evidence outlined above, the variant was classified as pathogenic.

Labcorp Genetics (formerly Invitae), Labcorp
Classification: Pathogenic for Familial cancer of breast. Last evaluated: 2025-09-07. Review status: criteria provided, single submitter. Criteria: Invitae Variant Classification Sherloc (09022015). Collection method: clinical testing. Allele origin: germline.
Comment: This sequence change creates a premature translational stop signal (p.Leu960Tyrfs*2) in the PALB2 gene. It is expected to result in an absent or disrupted protein product. Loss-of-function variants in PALB2 are known to be pathogenic (PMID: 17200668, 17200671, 17200672, 24136930, 25099575). This variant is not present in population databases (gnomAD no frequency). This variant has not been reported in the literature in individuals affected with PALB2-related conditions. ClinVar contains an entry for this variant (Variation ID: 422509). For these reasons, this variant has been classified as Pathogenic.

Ambry Genetics
Classification: Pathogenic for Hereditary cancer-predisposing syndrome. Last evaluated: 2025-08-06. Review status: criteria provided, single submitter. Criteria: Ambry Variant Classification Scheme 2023. Collection method: clinical testing. Allele origin: germline.
Comment: The c.2878delC pathogenic mutation, located in coding exon 9 of the PALB2 gene, results from a deletion of one nucleotide at nucleotide position 2878, causing a translational frameshift with a predicted alternate stop codon (p.L960Yfs*2). This variant is considered to be rare based on population cohorts in the Genome Aggregation Database (gnomAD). This alteration is expected to result in loss of function by premature protein truncation or nonsense-mediated mRNA decay. As such, this alteration is interpreted as a disease-causing mutation.

Baylor Genetics
Classification: Pathogenic for Familial cancer of breast. Last evaluated: 2024-02-26. Review status: criteria provided, single submitter. Criteria: ACMG Guidelines, 2015. Collection method: clinical testing. Allele origin: unknown.

Myriad Genetics, Inc.
Classification: Pathogenic for Familial cancer of breast. Last evaluated: 2023-09-14. Review status: criteria provided, single submitter. Criteria: Myriad Autosomal Dominant, Autosomal Recessive and X-Linked Classification Criteria (2023). Collection method: clinical testing. Allele origin: unknown.
Comment: This variant is considered pathogenic. This variant creates a frameshift predicted to result in premature protein truncation.

GeneDx
Classification: Pathogenic. Last evaluated: 2023-02-06. Review status: criteria provided, single submitter. Criteria: GeneDx Variant Classification Process June 2021. Collection method: clinical testing. Allele origin: germline. Affected: yes.
Comment: Frameshift variant predicted to result in protein truncation or nonsense mediated decay in a gene for which loss of function is a known mechanism of disease; Not observed at significant frequency in large population cohorts (gnomAD); This variant is associated with the following publications: (PMID: 32427313)

Color Diagnostics, LLC DBA Color Health
Classification: Pathogenic for Hereditary cancer-predisposing syndrome. Last evaluated: 2022-03-14. Review status: criteria provided, single submitter. Criteria: ACMG Guidelines, 2015. Collection method: clinical testing. Allele origin: germline.
Comment: This variant deletes 1 nucleotide in exon 9 of the PALB2 gene, creating a frameshift and premature translation stop signal. This variant is expected to result in an absent or non-functional protein product. To our knowledge, this variant has not been reported in individuals affected with hereditary cancer in the literature. This variant has not been identified in the general population by the Genome Aggregation Database (gnomAD). Loss of PALB2 function is a known mechanism of disease. Based on the available evidence, this variant is classified as Pathogenic.

Fulgent Genetics
Classification: Likely pathogenic for Familial cancer of breast; Fanconi anemia complementation group N; Pancreatic cancer, susceptibility to, 3. Last evaluated: 2021-07-06. Review status: criteria provided, single submitter. Criteria: ACMG Guidelines, 2015. Collection method: clinical testing. Allele origin: unknown.

Literature cited by the submitters: PubMed 32427313 (cited by Women's Health and Genetics/Laboratory Corporation of America, LabCorp); PubMed 36446039 (cited by Women's Health and Genetics/Laboratory Corporation of America, LabCorp); PubMed 17200668 (cited by Labcorp Genetics (formerly Invitae), Labcorp); PubMed 17200671 (cited by Labcorp Genetics (formerly Invitae), Labcorp); PubMed 17200672 (cited by Labcorp Genetics (formerly Invitae), Labcorp); PubMed 24136930 (cited by Labcorp Genetics (formerly Invitae), Labcorp); PubMed 25099575 (cited by Labcorp Genetics (formerly Invitae), Labcorp).